The following is an entry in ClinVar:

ClinVar aggregate classification (germline): Uncertain significance (1 of 4 stars; one submission).

gnomAD v4.1: 10 of 1,612,592 alleles (0.00062%); highest among the groups gnomAD compares: East Asian, 0.0022%; no homozygotes.

Submission:

GeneDx
Classification: Uncertain significance. Last evaluated: 2022-08-04. Review status: criteria provided, single submitter. Criteria: GeneDx Variant Classification Process June 2021. Collection method: clinical testing. Allele origin: germline. Affected: yes.
Comment: Not observed at significant frequency in large population cohorts (gnomAD); In silico analysis supports that this missense variant does not alter protein structure/function; Has not been previously published as pathogenic or benign to our knowledge

NM_001080476.3(GRXCR1):c.569G>A (p.Arg190Gln)

Gene: GRXCR1 (glutaredoxin and cysteine rich domain containing 1; plus strand). Cytogenetic location: 4p13.
Variant type: single nucleotide variant.
Coding change: c.569G>A on transcript NM_001080476.3 (MANE Select); coding-DNA position 569, G replaced by A.
Protein change: p.Arg190Gln; replaces arginine 190 with glutamine.
Molecular consequence: missense variant.
Genome position (GRCh38, 1-based): chr4:42,963,076, G>A. VCF-style: chr4-42963076-G-A. GRCh37 (hg19) VCF-style: chr4-42965093-G-A.
Other names: short protein forms R190Q.
Identifiers: ClinVar variation 2428951 (VCV002428951.3), dbSNP rs370812791, ClinGen allele CA2904439.